The following is an entry in ClinVar:

ClinVar aggregate classification (germline): Pathogenic (1 of 4 stars; one submission).

Submission:

Labcorp Genetics (formerly Invitae), Labcorp
Classification: Pathogenic. Last evaluated: 2023-04-25. Review status: criteria provided, single submitter. Criteria: Invitae Variant Classification Sherloc (09022015). Collection method: clinical testing. Allele origin: germline.
Comment: For these reasons, this variant has been classified as Pathogenic. This variant has not been reported in the literature in individuals affected with ACAN-related conditions. This sequence change creates a premature translational stop signal (p.Ser2353*) in the ACAN gene. It is expected to result in an absent or disrupted protein product. Loss-of-function variants in ACAN are known to be pathogenic (PMID: 16080123, 24762113). This variant is not present in population databases (gnomAD no frequency).

Literature cited by the submitters: PubMed 16080123; PubMed 24762113.

NM_001369268.1(ACAN):c.7172C>A (p.Ser2391Ter)

Gene: ACAN (aggrecan; plus strand). Cytogenetic location: 15q26.1.
Variant type: single nucleotide variant.
Coding change: c.7172C>A on transcript NM_001369268.1 (MANE Select); coding-DNA position 7172, C replaced by A.
Protein change: p.Ser2391Ter; replaces serine 2391 with a stop codon.
Molecular consequence: nonsense.
Genome position (GRCh38, 1-based): chr15:88,871,493, C>A. VCF-style: chr15-88871493-C-A. GRCh37 (hg19) VCF-style: chr15-89414724-C-A.
Other names: c.6944C>A, p.Ser2315Ter (NM_001135.4, NM_001411096.1); c.7058C>A, p.Ser2353Ter (NM_001411097.1, NM_013227.4); short protein forms S2391*, S2315*, S2353*.
Identifiers: ClinVar variation 2859190 (VCV002859190.3), dbSNP rs2505380258, ClinGen allele CA393729719.